The following is an entry in ClinVar:

NM_004415.4(DSP):c.3085-3_3085delinsTTCGATCT

Gene: DSP (desmoplakin; plus strand). Cytogenetic location: 6p24.3.
Variant type: Indel.
Coding change: c.3085-3_3085delinsTTCGATCT on transcript NM_004415.4 (MANE Select); 3 bases into the intron before coding-DNA position 3085 through coding-DNA position 3085, CAGC replaced by TTCGATCT.
Molecular consequence: splice acceptor variant.
Genome position (GRCh38, 1-based): chr6:7,579,272-7,579,275, CAGC replaced by TTCGATCT. VCF-style: chr6-7579272-CAGC-TTCGATCT. GRCh37 (hg19) VCF-style: chr6-7579505-CAGC-TTCGATCT.
Other names: c.3085-3_3085delinsTTCGATCT (NM_001319034.2, NM_001008844.3).
Identifiers: ClinVar variation 2775292 (VCV002775292.2), dbSNP rs2533922155, ClinGen allele CA2697546618.
Genomic context (GRCh38, chr6:7,579,272, plus strand): 5'-CTGCTTCTTTCTTGGAATGTGAGGTGTTTTTCTTTTGACATAATCTCTGATTTCATTCCA[CAGC>TTCGATCT]TGAAAAATACCAAGATCGAAGTTTTGGAAGAGGAGCTCAGACTGGCCCGAGATGCCAACT-3'

ClinVar aggregate classification (germline): Uncertain significance (1 of 4 stars; one submission).

Conditions:
Cardiomyopathy (CMYO). Also called: Cardiomyopathies. Identifiers: Orphanet 167848, MedGen C0878544, MONDO:0004994, HP:0001638. Inheritance: Various modes of inheritance.

Submission:

Color Diagnostics, LLC DBA Color Health
Classification: Uncertain significance for Cardiomyopathy. Last evaluated: 2024-11-13. Review status: criteria provided, single submitter. Criteria: ACMG Guidelines, 2015. Collection method: clinical testing. Allele origin: germline.
Comment: This variant replaces the last three nucleotides in intron 22 splice acceptor site and the first nucleotide of exon 23 of the DSP gene with eight new nucleotides (c.3085-3_3085delinsTTCGATCT). Splice site prediction tools indicate that this variant abolishes the native intron 22 splice acceptor site and may also activate a cryptic splice acceptor site 18 nucleotides downstream. Two possible molecular consequences of this variant are in-frame skipping of exon 23 (2295 bp-long; amino acids 1029-1793) or in-frame deletion of the first 5 amino acids of exon 23 (c.3085_3099del, p.Leu1029_Lys1033del). The skipping of exon 23 removes two codons where likely disease-causing missense variants have been reported, suggesting that this region of the protein may be functionally important (ClinVar variation ID: 222578, 431487). To our knowledge, this variant has not been investigated in published functional studies, nor has it been reported in individuals affected with DSP-associated disorders in the literature. This variant has not been identified in the general population by the Genome Aggregation Database (gnomAD). Although there is a suspicion for a pathogenic role, the available evidence is insufficient to determine the role of this variant in disease conclusively. Therefore, this variant is classified as a Variant of Uncertain Significance.